The following is an entry in ClinVar:

NM_002202.3(ISL1):c.519C>T (p.His173=)

Gene: ISL1 (ISL LIM homeobox 1; plus strand). Cytogenetic location: 5q11.1.
Variant type: single nucleotide variant.
Coding change: c.519C>T on transcript NM_002202.3 (MANE Select); coding-DNA position 519, C replaced by T.
Protein change: p.His173=; no amino-acid change (histidine 173 retained).
Molecular consequence: synonymous variant.
Genome position (GRCh38, 1-based): chr5:51,389,686, C>T. VCF-style: chr5-51389686-C-T. GRCh37 (hg19) VCF-style: chr5-50685520-C-T.
Identifiers: ClinVar variation 3354018 (VCV003354018.1).
Genomic context (GRCh38, chr5:51,389,686, plus strand): 5'-CGGCGCTCCTTGCCCCGCAGCGGAGCCCATCTCCGCCAGGCAGCCAGCCCTGCGGCCCCA[C>T]GTCCACAAGCAGCCGGAGAAGACCACCCGCGTGCGGACTGTGCTGAACGAGAAGCAGCTG-3'
Protein context (NP_002193.2, residues 163-183): ISARQPALRP[His173=]VHKQPEKTTR

ClinVar aggregate classification (germline): Likely benign (0 of 4 stars; one submission).

Conditions:
ISL1-related disorder. Also called: ISL1-related condition.

gnomAD v4.1: 4 of 1,612,706 alleles (0.00025%); highest among the groups gnomAD compares: Admixed American, 0.005%; no homozygotes.

Submission:

PreventionGenetics, part of Exact Sciences
Classification: Likely benign for ISL1-related condition. Last evaluated: 2024-09-11. Review status: no assertion criteria provided. Collection method: clinical testing. Allele origin: germline.
Comment: This variant is classified as likely benign based on ACMG/AMP sequence variant interpretation guidelines (Richards et al. 2015 PMID: 25741868, with internal and published modifications).